The following is an entry in ClinVar:

ClinVar aggregate classification (germline): Pathogenic (1 of 4 stars; one submission).

Submission:

GeneDx
Classification: Pathogenic. Last evaluated: 2017-12-15. Review status: criteria provided, single submitter. Criteria: GeneDx Variant Classification (06012015). Collection method: clinical testing. Allele origin: germline. Affected: yes.
Comment: The c.795dupC variant in the CEP135 gene has not been reported previously as a pathogenic variant nor as a benign variant, to our knowledge. The c.795dupC variant causes a frameshift starting with Asparagine 266, changes this amino acid to a Glutamine residue, and creates a premature Stop codon at position 2 of the new reading frame, denoted p.Asn266GlnfsX2. This variant is predicted to cause loss of normal protein function either through protein truncation or nonsense-mediated mRNA decay. The c.795dupC variant is not observed in large population cohorts (Lek et al., 2016). We interpret c.795dupC as a pathogenic variant.

NM_025009.5(CEP135):c.795dup (p.Asn266fs)

Gene: CEP135 (centrosomal protein 135; plus strand). Cytogenetic location: 4q12.
Variant type: Duplication.
Coding change: c.795dup on transcript NM_025009.5 (MANE Select); coding-DNA position 795, one base duplicated (C; older notation c.795dupC).
Protein change: p.Asn266fs; shifts the reading frame from asparagine 266.
Molecular consequence: frameshift variant.
Genome position (GRCh38, 1-based): chr4:55,964,369, C duplicated; the last of 2 consecutive C bases (chr4:55,964,368-55,964,369); duplicating either gives the same sequence. VCF-style (leftmost placement, unchanged base first): chr4-55964367-A-AC. GRCh37 (hg19) VCF-style: chr4-56830533-A-AC.
Other names: c.795dupC (NM_025009.4); short protein forms N266fs.
Identifiers: ClinVar variation 503912 (VCV000503912.2), dbSNP rs1553889111, ClinGen allele CA658796442.
Genomic context (GRCh38, chr4:55,964,367, plus strand): 5'-TCAGTTGCTTTGGATGGTGGTCGGTCCCCTGATGTCCTTTCTCTGGAGTCTAGAAATAAA[A>AC]CCAATGAAAAGCTTATTGCTCATTTAAATATTCAGGTAATGGCTTTTATAATTATTTCAC-3'